The following is an entry in ClinVar:

NM_002206.3(ITGA7):c.703G>T (p.Asp235Tyr)

Gene: ITGA7 (integrin subunit alpha 7; minus strand). Cytogenetic location: 12q13.2.
Variant type: single nucleotide variant.
Coding change: c.703G>T on transcript NM_002206.3 (MANE Select); coding-DNA position 703, G replaced by T.
Protein change: p.Asp235Tyr; replaces aspartic acid 235 with tyrosine.
Molecular consequence: missense variant. On other transcripts: intron variant (7).
Genome position (GRCh38, 1-based): chr12:55,699,957, C>A on the plus strand (G>T on the coding strand, the complement: ITGA7 is on the minus strand). VCF-style: chr12-55699957-C-A. GRCh37 (hg19) VCF-style: chr12-56093741-C-A.
Other names: c.703G>T, p.Asp235Tyr (NM_001374465.1, NM_001414031.1, NM_001414034.1); c.835G>T, p.Asp279Tyr (NM_001410977.1); c.520G>T, p.Asp174Tyr (NM_001414033.1); c.364G>T, p.Asp122Tyr (NM_001414035.1); c.511+305G>T (NM_001144997.2); c.463+305G>T (NM_001367993.1); c.-503+942G>T (NM_001367994.1); c.670+942G>T (NM_001414032.1); and 1 more; short protein forms D235Y, D122Y, D279Y, D174Y.
Identifiers: ClinVar variation 2010390 (VCV002010390.4), dbSNP rs2539832332, ClinGen allele CA385191546.

ClinVar aggregate classification (germline): Uncertain significance (1 of 4 stars; one submission).

Conditions:
Congenital muscular dystrophy due to integrin alpha-7 deficiency. Also called: Congenital muscular dystrophy with integrin alpha-7 deficiency; Muscular dystrophy, congenital, due to ITGA7 deficiency; MYOPATHY, CONGENITAL, DUE TO INTEGRIN ALPHA-7 DEFICIENCY. Identifiers: Orphanet 34520, MedGen C2750786, MONDO:0013177, OMIM 613204.

Submission:

Labcorp Genetics (formerly Invitae), Labcorp
Classification: Uncertain significance for Congenital muscular dystrophy due to integrin alpha-7 deficiency. Last evaluated: 2022-06-24. Review status: criteria provided, single submitter. Criteria: Invitae Variant Classification Sherloc (09022015). Collection method: clinical testing. Allele origin: germline.
Comment: Algorithms developed to predict the effect of missense changes on protein structure and function (SIFT, PolyPhen-2, Align-GVGD) all suggest that this variant is likely to be tolerated. In summary, the available evidence is currently insufficient to determine the role of this variant in disease. Therefore, it has been classified as a Variant of Uncertain Significance. Algorithms developed to predict the effect of sequence changes on RNA splicing suggest that this variant may disrupt the consensus splice site. This variant has not been reported in the literature in individuals affected with ITGA7-related conditions. This variant is not present in population databases (gnomAD no frequency). This sequence change replaces aspartic acid, which is acidic and polar, with tyrosine, which is neutral and polar, at codon 235 of the ITGA7 protein (p.Asp235Tyr).